The following is an entry in ClinVar:

ClinVar aggregate classification (germline): Uncertain significance (0 of 4 stars; one submission).

Submission:

Martin Pollak Laboratory,  Beth Israel Deaconess Medical Center
Classification: Uncertain significance. Review status: no assertion criteria provided. Collection method: not provided. Allele origin: unknown.
Comment: Higher UCa2+ group
ClinVar note: Converted during submission from unknown to Uncertain significance.

NM_022911.3(SLC26A6):c.1541C>T (p.Ser514Phe)

Gene: SLC26A6 (solute carrier family 26 member 6; minus strand). Cytogenetic location: 3p21.31.
Variant type: single nucleotide variant.
Coding change: c.1541C>T on transcript NM_022911.3 (MANE Select); coding-DNA position 1541, C replaced by T.
Protein change: p.Ser514Phe; replaces serine 514 with phenylalanine.
Molecular consequence: missense variant.
Genome position (GRCh38, 1-based): chr3:48,629,700, G>A on the plus strand (C>T on the coding strand, the complement: SLC26A6 is on the minus strand). VCF-style: chr3-48629700-G-A. GRCh37 (hg19) VCF-style: chr3-48667133-G-A.
Other names: c.1478C>T, p.Ser493Phe (NM_001040454.1); c.1433C>T, p.Ser478Phe (NM_001281732.2); c.1220C>T, p.Ser407Phe (NM_001281733.2); c.1541C>T, p.Ser514Phe (NM_134263.3, NM_134426.3); short protein forms S493F, S514F, S407F, S478F.
Identifiers: ClinVar variation 64449 (VCV000064449.2), dbSNP rs387907499, ClinGen allele CA216167.